The following is an entry in ClinVar:

NM_001164508.2(NEB):c.21220G>T (p.Glu7074Ter)

Gene: NEB (nebulin; minus strand). Cytogenetic location: 2q23.3.
Variant type: single nucleotide variant.
Coding change: c.21220G>T on transcript NM_001164508.2 (MANE Select); coding-DNA position 21220, G replaced by T.
Protein change: p.Glu7074Ter; replaces glutamic acid 7074 with a stop codon.
Molecular consequence: nonsense.
Genome position (GRCh38, 1-based): chr2:151,535,783, C>A on the plus strand (G>T on the coding strand, the complement: NEB is on the minus strand). VCF-style: chr2-151535783-C-A. GRCh37 (hg19) VCF-style: chr2-152392297-C-A.
Other names: c.21220G>T, p.Glu7074Ter (NM_001164507.2, NM_001271208.2); c.16117G>T, p.Glu5373Ter (NM_004543.5); short protein forms E5373*, E7074*.
Identifiers: ClinVar variation 2677149 (VCV002677149.4), dbSNP rs1266187397, ClinGen allele CA348773155.

ClinVar aggregate classification (germline): Pathogenic/Likely pathogenic. Review status: criteria provided, multiple submitters, no conflicts (2 of 4 stars). 2 submissions from 2 submitters: Pathogenic (1); Likely pathogenic (1). Last evaluated 2023-11-20.

Conditions:
Nemaline myopathy 2 (NEM2). Also called: Nemaline myopathy 2, autosomal recessive. Identifiers: MedGen C1850569, MONDO:0009725, OMIM 256030.
Arthrogryposis multiplex congenita 6. Identifiers: MedGen C5543431, MONDO:0030281, OMIM 619334.

Submissions (2):

Labcorp Genetics (formerly Invitae), Labcorp
Classification: Pathogenic for Nemaline myopathy 2. Last evaluated: 2023-11-20. Review status: criteria provided, single submitter. Criteria: Invitae Variant Classification Sherloc (09022015). Collection method: clinical testing. Allele origin: germline.
Comment: This sequence change creates a premature translational stop signal (p.Glu7074*) in the NEB gene. It is expected to result in an absent or disrupted protein product. Loss-of-function variants in NEB are known to be pathogenic (PMID: 25205138). This variant is not present in population databases (gnomAD no frequency). This variant has not been reported in the literature in individuals affected with NEB-related conditions. Algorithms developed to predict the effect of sequence changes on RNA splicing suggest that this variant may disrupt the consensus splice site. For these reasons, this variant has been classified as Pathogenic.

Baylor Genetics
Classification: Likely pathogenic for Arthrogryposis multiplex congenita 6. Last evaluated: 2023-01-01. Review status: criteria provided, single submitter. Criteria: ACMG Guidelines, 2015. Collection method: clinical testing. Allele origin: unknown.

Literature cited by the submitters: PubMed 25205138 (cited by Labcorp Genetics (formerly Invitae), Labcorp).